The following is an entry in ClinVar:

NM_001848.3(COL6A1):c.1776+141A>G

Gene: COL6A1 (collagen type VI alpha 1 chain; plus strand). Cytogenetic location: 21q22.3.
Variant type: single nucleotide variant.
Coding change: c.1776+141A>G on transcript NM_001848.3 (MANE Select); 141 bases into the intron after coding-DNA position 1776, A replaced by G.
Molecular consequence: intron variant.
Genome position (GRCh38, 1-based): chr21:45,999,833, A>G. VCF-style: chr21-45999833-A-G. GRCh37 (hg19) VCF-style: chr21-47419747-A-G.
Identifiers: ClinVar variation 679949 (VCV000679949.2), dbSNP rs8131632, ClinGen allele CA14888039.
Genomic context (GRCh38, chr21:45,999,833, plus strand): 5'-CTCCTGTAGACGCTGCTCACGGGGGGGTGGGTTGTGGACAAAGAGCTGGTGCCAGGCCCT[A>G]GGGACCCGTGACGGCCATGGGAGGACCCGTGAGGATCATAGGGGGATGTGTGAGGACCAT-3'

ClinVar aggregate classification (germline): Benign. Review status: criteria provided, multiple submitters, no conflicts (2 of 4 stars). 2 submissions from 2 submitters: Benign (2). Last evaluated 2018-06-14.

Allele frequency attached by ClinVar (database versions not stated): gnomAD exomes 0.83503; 1000 Genomes Project 0.86562; TOPMed 0.87610; 1000 Genomes Project 30x 0.87945; gnomAD 0.90689 and 0.90896.

Submissions (2):

GeneDx
Classification: Benign. Last evaluated: 2018-06-14. Review status: criteria provided, single submitter. Criteria: GeneDx Variant Classification (06012015). Collection method: clinical testing. Allele origin: germline. Affected: yes.
Comment: This variant is considered likely benign or benign based on one or more of the following criteria: it is a conservative change, it occurs at a poorly conserved position in the protein, it is predicted to be benign by multiple in silico algorithms, and/or has population frequency not consistent with disease.

Breakthrough Genomics
Classification: Benign. Review status: criteria provided, single submitter. Criteria: ACMG Guidelines, 2015. Collection method: not provided. Allele origin: germline. Inheritance: Autosomal recessive inheritance. Affected: yes.